The following is an entry in ClinVar:

NM_000057.4(BLM):c.1122T>C (p.His374=)

Gene: BLM (BLM RecQ like helicase; plus strand). Cytogenetic location: 15q26.1.
Variant type: single nucleotide variant.
Coding change: c.1122T>C on transcript NM_000057.4 (MANE Select); coding-DNA position 1122, T replaced by C.
Protein change: p.His374=; no amino-acid change (histidine 374 retained).
Molecular consequence: synonymous variant. On other transcripts: 5 prime UTR variant (1).
Genome position (GRCh38, 1-based): chr15:90,760,181, T>C. VCF-style: chr15-90760181-T-C. GRCh37 (hg19) VCF-style: chr15-91303411-T-C.
Other names: p.H374H:CAT>CAC; p.His374=; c.1122T>C, p.His374= (NM_001287246.2, NM_001287247.2); c.-4T>C (NM_001287248.2); c.1122T>C (LRG_20t1).
Identifiers: ClinVar variation 136510 (VCV000136510.69), dbSNP rs28385009, ClinGen allele CA289692.

ClinVar aggregate classification (germline): Benign/Likely benign. Review status: criteria provided, multiple submitters, no conflicts (2 of 4 stars). 12 submissions from 12 submitters: Benign (10); Likely benign (1). 1 of the submissions does not count toward it. Last evaluated 2026-02-04.

Conditions:
Hereditary cancer-predisposing syndrome. Also called: Tumor predisposition; Hereditary neoplastic syndrome; Neoplastic Syndromes, Hereditary; Hereditary Cancer Syndrome. Identifiers: Orphanet 140162, MedGen C0027672, MeSH D009386, MONDO:0015356.
Bloom syndrome (BLM). Also called: Bloom-Torre-Machacek syndrome. Identifiers: Orphanet 125, MedGen C0005859, MONDO:0008876, OMIM 210900.

Allele frequency attached by ClinVar (database versions not stated): ESP Exome Variant Server 0.00062; TOPMed 0.00191; gnomAD exomes 0.00374 and 0.00802; gnomAD 0.00382 and 0.00463; ExAC 0.00791; 1000 Genomes Project 30x 0.00984; 1000 Genomes Project 0.01058.
gnomAD v4.1: 6,171 of 1,612,700 alleles (0.38%); highest among the groups gnomAD compares: East Asian, 3.1%; 94 homozygotes.

Submissions (12):

Labcorp Genetics (formerly Invitae), Labcorp
Classification: Benign for Bloom syndrome. Last evaluated: 2026-02-04. Review status: criteria provided, single submitter. Criteria: Invitae Variant Classification Sherloc (09022015). Collection method: clinical testing. Allele origin: germline.

ARUP Laboratories, Molecular Genetics and Genomics, ARUP Laboratories
Classification: Benign for Bloom syndrome. Last evaluated: 2025-06-11. Review status: criteria provided, single submitter. Criteria: ARUP Molecular Germline Variant Investigation Process 2024. Collection method: clinical testing. Allele origin: germline.

Quest Diagnostics Nichols Institute San Juan Capistrano
Classification: Benign. Last evaluated: 2025-05-01. Review status: criteria provided, single submitter. Criteria: Quest Diagnostics criteria. Collection method: clinical testing. Allele origin: unknown.

Mayo Clinic Laboratories, Mayo Clinic
Classification: Benign. Last evaluated: 2025-03-05. Review status: criteria provided, single submitter. Criteria: ACMG Guidelines, 2015. Collection method: clinical testing. Allele origin: germline. Observed: 2 variant alleles.
Comment: BS1, BS2, BP4, BP7

Blueprint Genetics
Classification: Likely benign. Last evaluated: 2024-11-27. Review status: criteria provided, single submitter. Criteria: ACMG Guidelines, 2015. Collection method: clinical testing. Allele origin: germline.

KCCC/NGS Laboratory, Kuwait Cancer Control Center
Classification: Benign for Bloom syndrome. Last evaluated: 2023-07-07. Review status: criteria provided, single submitter. Criteria: ACMG Guidelines, 2015. Collection method: clinical testing. Allele origin: germline. Affected: yes.

Women's Health and Genetics/Laboratory Corporation of America, LabCorp
Classification: Benign. Last evaluated: 2018-05-18. Review status: criteria provided, single submitter. Criteria: LabCorp Variant Classification Summary - May 2015. Collection method: clinical testing. Allele origin: germline.
Comment: Variant summary: BLM c.1122T>C alters a non-conserved nucleotide resulting in a synonymous change. 5/5 computational tools predict no significant impact on normal splicing. However, these predictions have yet to be confirmed by functional studies. The variant allele was found at a frequency of 0.0082 in 277138 control chromosomes, predominantly within the Finnish subpopulation at a frequency of 0.032, including 15 homozygotes (in the gnomAD database). The observed variant frequency within Finnish control individuals in the gnomAD database is approximately 9 fold of the estimated maximal expected allele frequency for a pathogenic variant in BLM causing Bloom Syndrome phenotype (0.0035), strongly suggesting that the variant is a benign polymorphism found primarily in populations of Finnish origin. The variant, c.1122T>C has been reported in the literature in an individual affected with Breast Cancer (Thompson 2012). This report does not provide unequivocal conclusions about association of the variant with Bloom Syndrome. To our knowledge, no experimental evidence demonstrating an impact on protein function has been reported. Three clinical diagnostic laboratories have submitted clinical-significance assessments for this variant to ClinVar after 2014 without evidence for independent evaluation. All laboratories classified the variant as benign/likely benign. Based on the evidence outlined above, the variant was classified as benign.

Illumina Laboratory Services, Illumina
Classification: Benign for Bloom syndrome. Last evaluated: 2018-01-12. Review status: criteria provided, single submitter. Criteria: ICSL Variant Classification Criteria 13 December 2019. Collection method: clinical testing. Allele origin: germline.
Comment: This variant was observed in the ICSL laboratory as part of a predisposition screen in an ostensibly healthy population. It had not been previously curated by ICSL or reported in the Human Gene Mutation Database (HGMD: prior to June 1st, 2018), and was therefore a candidate for classification through an automated scoring system. Utilizing variant allele frequency, disease prevalence and penetrance estimates, and inheritance mode, an automated score was calculated to assess if this variant is too frequent to cause the disease. Based on the score and internal cut-off values, a variant classified as benign is not then subjected to further curation. The score for this variant resulted in a classification of benign for this disease.

Ambry Genetics
Classification: Benign for Hereditary cancer-predisposing syndrome. Last evaluated: 2016-08-17. Review status: criteria provided, single submitter. Criteria: Ambry Variant Classification Scheme 2023. Collection method: clinical testing. Allele origin: germline.

GeneDx
Classification: Benign. Last evaluated: 2013-11-06. Review status: criteria provided, single submitter. Criteria: GeneDx Variant Classification (06012015). Collection method: clinical testing. Allele origin: germline. Affected: yes.
Comment: This variant is considered likely benign or benign based on one or more of the following criteria: it is a conservative change, it occurs at a poorly conserved position in the protein, it is predicted to be benign by multiple in silico algorithms, and/or has population frequency not consistent with disease.

Breakthrough Genomics
Classification: Benign. Review status: criteria provided, single submitter. Criteria: ACMG Guidelines, 2015. Collection method: not provided. Allele origin: germline. Inheritance: Autosomal recessive inheritance. Affected: yes.

Natera, Inc.
Classification: Benign for Bloom syndrome. Last evaluated: 2017-04-25. Review status: no assertion criteria provided. Collection method: clinical testing. Allele origin: germline. Not counted in ClinVar's aggregate classification.

Literature cited by the submitters: PubMed 38509102 (cited by Quest Diagnostics Nichols Institute San Juan Capistrano); PubMed 32867815 (cited by Quest Diagnostics Nichols Institute San Juan Capistrano); PubMed 23028338 (cited by Quest Diagnostics Nichols Institute San Juan Capistrano and Women's Health and Genetics/Laboratory Corporation of America, LabCorp).